The following is an entry in ClinVar:

ClinVar aggregate classification (germline): Uncertain significance (1 of 4 stars; one submission).

Conditions:
Achondrogenesis, type IA (ACG1A). Identifiers: Orphanet 932, Orphanet 93299, MedGen C0265273, MONDO:0008701, OMIM 200600.

Submission:

Labcorp Genetics (formerly Invitae), Labcorp
Classification: Uncertain significance for Achondrogenesis, type IA. Last evaluated: 2022-03-11. Review status: criteria provided, single submitter. Criteria: Invitae Variant Classification Sherloc (09022015). Collection method: clinical testing. Allele origin: germline.
Comment: This sequence change falls in intron 5 of the TRIP11 gene. It does not directly change the encoded amino acid sequence of the TRIP11 protein. This variant is not present in population databases (gnomAD no frequency). In summary, the available evidence is currently insufficient to determine the role of this variant in disease. Therefore, it has been classified as a Variant of Uncertain Significance. Algorithms developed to predict the effect of sequence changes on RNA splicing suggest that this variant may create or strengthen a splice site. This variant has not been reported in the literature in individuals affected with TRIP11-related conditions.

NM_004239.4(TRIP11):c.658-18_658-17insGGATTACAGGCGTGAGCCACCGCGCCCGGCC

Gene: TRIP11 (thyroid hormone receptor interactor 11; minus strand). Cytogenetic location: 14q32.12.
Variant type: Insertion.
Coding change: c.658-18_658-17insGGATTACAGGCGTGAGCCACCGCGCCCGGCC on transcript NM_004239.4 (MANE Select); 18 bases into the intron before coding-DNA position 658 through 17 bases into the intron before coding-DNA position 658, GGATTACAGGCGTGAGCCACCGCGCCCGGCC inserted.
Molecular consequence: intron variant.
Genome position: GRCh38: chr14:92,015,878-92,015,879. GRCh37 (hg19): chr14:92,482,222-92,482,223.
Other names: c.655-18_655-17insGGATTACAGGCGTGAGCCACCGCGCCCGGCC (NM_001321851.1).
Identifiers: ClinVar variation 2109155 (VCV002109155.4), dbSNP rs2543063817, ClinGen allele CA2580088923.